The following is an entry in ClinVar:

NM_032119.4(ADGRV1):c.9042G>C (p.Met3014Ile)

Gene: ADGRV1 (adhesion G protein-coupled receptor V1; plus strand). Cytogenetic location: 5q14.3.
Variant type: single nucleotide variant.
Coding change: c.9042G>C on transcript NM_032119.4 (MANE Select); coding-DNA position 9042, G replaced by C.
Protein change: p.Met3014Ile; replaces methionine 3014 with isoleucine.
Molecular consequence: missense variant. On other transcripts: non-coding transcript variant (1).
Genome position (GRCh38, 1-based): chr5:90,711,322, G>C. VCF-style: chr5-90711322-G-C. GRCh37 (hg19) VCF-style: chr5-90007139-G-C.
Other names: short protein forms M3014I.
Identifiers: ClinVar variation 1067214 (VCV001067214.9), dbSNP rs763733110, ClinGen allele CA3340421.

ClinVar aggregate classification (germline): Conflicting classifications of pathogenicity. Review status: criteria provided, conflicting classifications (1 of 4 stars). 3 submissions from 3 submitters: Likely pathogenic (2); Uncertain significance (1). Last evaluated 2025-09-14.

Conditions:
Usher syndrome. Also called: Usher Syndromes; Usher's syndrome. Identifiers: Orphanet 886, MedGen CN469326, MeSH D052245, MONDO:0019501. Disease mechanism: loss of function.

Allele frequency attached by ClinVar (database versions not stated): gnomAD exomes below 0.00001 and 0.00001; TOPMed below 0.00001; ExAC 0.00001; gnomAD 0.00001.
gnomAD v4.1: 4 of 1,595,922 alleles (0.00025%); highest among the groups gnomAD compares: Non-Finnish European, 0.00034%; no homozygotes.

Submissions (3):

Labcorp Genetics (formerly Invitae), Labcorp
Classification: Likely pathogenic. Last evaluated: 2025-09-14. Review status: criteria provided, single submitter. Criteria: Invitae Variant Classification Sherloc (09022015). Collection method: clinical testing. Allele origin: germline.
Comment: This sequence change affects codon 3014 of the ADGRV1 mRNA. It is a 'silent' change, meaning that it does not change the encoded amino acid sequence of the ADGRV1 protein. This variant also falls at the last nucleotide of exon 41, which is part of the consensus splice site for this exon. This variant is present in population databases (rs763733110, gnomAD 0.0009%). This variant has been observed in individuals with retinitis pigmentosa (PMID: 22147658; internal data). ClinVar contains an entry for this variant (Variation ID: 1067214). An algorithm developed to predict the effect of missense changes on protein structure and function (PolyPhen-2) suggests that this variant is likely to be tolerated. Variants that disrupt the consensus splice site are a relatively common cause of aberrant splicing (PMID: 17576681, 9536098). Studies have shown that this variant alters mRNA splicing and is expected to lead to the loss of protein expression (PMID: 22147658). In summary, the currently available evidence indicates that the variant is pathogenic, but additional data are needed to prove that conclusively. Therefore, this variant has been classified as Likely Pathogenic.

Women's Health and Genetics/Laboratory Corporation of America, LabCorp
Classification: Likely pathogenic for Usher syndrome. Last evaluated: 2025-05-08. Review status: criteria provided, single submitter. Criteria: LabCorp Variant Classification Summary - May 2015. Collection method: clinical testing. Allele origin: germline.
Comment: Variant summary: ADGRV1 c.9042G>C (p.Met3014Ile) results in a conservative amino acid change in the encoded protein sequence at the last nucleotide position of exon 41 adjacent to the exon 41/intron 41 5' splice donor site. Algorithms developed to predict the effect of missense changes on protein structure and function are either unavailable or do not agree on the potential impact of this missense change. Several computational tools predict a significant impact on normal splicing: Two predict the variant abolishes a 5' splicing donor site. One predict the variant weakens a 5' donor site. At least one publication reports experimental evidence that this variant affects mRNA splicing, resulting in exon skipping confirmed by minigene assay and sequencing (e.g. Besnard_2011). The variant allele was found at a frequency of 4.3e-06 in 234228 control chromosomes. c.9042G>C has been observed in individuals affected with or with clinical features of Usher Syndrome (e.g. Besnard_2011). These data indicate that the variant may be associated with disease. The following publications has been ascertained in the context of this evaluation (PMID: 22147658). ClinVar contains an entry for this variant (Variation ID: 1067214). Based on the evidence outlined above, the variant was classified as likely pathogenic.

Blueprint Genetics
Classification: Uncertain significance. Last evaluated: 2021-08-31. Review status: criteria provided, single submitter. Criteria: ACMG Guidelines, 2015. Collection method: clinical testing. Allele origin: germline.

Literature cited by the submitters: PubMed 22147658 (cited by Labcorp Genetics (formerly Invitae), Labcorp and Women's Health and Genetics/Laboratory Corporation of America, LabCorp); PubMed 17576681 (cited by Labcorp Genetics (formerly Invitae), Labcorp); PubMed 9536098 (cited by Labcorp Genetics (formerly Invitae), Labcorp).